The following is an entry in ClinVar:

NM_000455.5(STK11):c.1078A>G (p.Ile360Val)

Genes: STK11 (serine/threonine kinase 11; plus strand), LOC130062899 (ATAC-STARR-seq lymphoblastoid active region 13597; plus strand). Cytogenetic location: 19p13.3.
Variant type: single nucleotide variant.
Coding change: c.1078A>G on transcript NM_000455.5 (MANE Select); coding-DNA position 1078, A replaced by G.
Protein change: p.Ile360Val; replaces isoleucine 360 with valine.
Molecular consequence: missense variant.
Genome position (GRCh38, 1-based): chr19:1,223,142, A>G. VCF-style: chr19-1223142-A-G. GRCh37 (hg19) VCF-style: chr19-1223141-A-G.
Other names: short protein forms I360V.
Identifiers: ClinVar variation 527832 (VCV000527832.14), dbSNP rs1555739334, ClinGen allele CA402951899.

ClinVar aggregate classification (germline): Conflicting classifications of pathogenicity. Review status: criteria provided, conflicting classifications (1 of 4 stars). 5 submissions from 5 submitters: Uncertain significance (4); Likely benign (1). Last evaluated 2026-09-11.

Conditions:
Peutz-Jeghers syndrome (PJS). Also called: Peutz-Jeghers polyposis; Periorificial lentiginosis syndrome; POLYPOSIS, HAMARTOMATOUS INTESTINAL; POLYPS-AND-SPOTS SYNDROME. Identifiers: Orphanet 2869, MedGen C0031269, MeSH D010580, MONDO:0008280, OMIM 175200.
Hereditary cancer-predisposing syndrome. Also called: Hereditary Cancer Syndrome; Tumor predisposition; Hereditary neoplastic syndrome; Neoplastic Syndromes, Hereditary. Identifiers: Orphanet 140162, MedGen C0027672, MeSH D009386, MONDO:0015356.

Submissions (5):

Ambry Genetics
Classification: Likely benign for Hereditary cancer-predisposing syndrome. Last evaluated: 2026-09-11. Review status: criteria provided, single submitter. Criteria: Ambry Variant Classification Scheme 2023. Collection method: clinical testing. Allele origin: germline.

Blueprint Genetics
Classification: Uncertain significance. Last evaluated: 2024-07-08. Review status: criteria provided, single submitter. Criteria: ACMG Guidelines, 2015. Collection method: clinical testing. Allele origin: germline.

Labcorp Genetics (formerly Invitae), Labcorp
Classification: Uncertain significance for Peutz-Jeghers syndrome. Last evaluated: 2024-02-06. Review status: criteria provided, single submitter. Criteria: Invitae Variant Classification Sherloc (09022015). Collection method: clinical testing. Allele origin: germline.
Comment: This sequence change replaces isoleucine, which is neutral and non-polar, with valine, which is neutral and non-polar, at codon 360 of the STK11 protein (p.Ile360Val). This variant is not present in population databases (gnomAD no frequency). This variant has not been reported in the literature in individuals affected with STK11-related conditions. ClinVar contains an entry for this variant (Variation ID: 527832). Advanced modeling of protein sequence and biophysical properties (such as structural, functional, and spatial information, amino acid conservation, physicochemical variation, residue mobility, and thermodynamic stability) performed at Invitae indicates that this missense variant is not expected to disrupt STK11 protein function with a negative predictive value of 95%. In summary, the available evidence is currently insufficient to determine the role of this variant in disease. Therefore, it has been classified as a Variant of Uncertain Significance.

Genome-Nilou Lab
Classification: Uncertain significance for Peutz-Jeghers syndrome. Last evaluated: 2021-07-15. Review status: criteria provided, single submitter. Criteria: ACMG Guidelines, 2015. Collection method: clinical testing. Allele origin: germline. Affected: no.

Color Diagnostics, LLC DBA Color Health
Classification: Uncertain significance for Hereditary cancer-predisposing syndrome. Last evaluated: 2019-10-24. Review status: criteria provided, single submitter. Criteria: ACMG Guidelines, 2015. Collection method: clinical testing. Allele origin: germline.
Comment: This missense variant replaces isoleucine with valine at codon 360 of the STK11 protein. Computational prediction tool suggests that this variant may not impact protein structure and function (internally defined REVEL score threshold ≤0.5, PMID: 27666373). Splice site prediction tools suggest that this variant may not impact RNA splicing. To our knowledge, functional studies have not been performed for this variant. This variant has not been reported in individuals affected with hereditary cancer in the literature. This variant has not been identified in the general population by the Genome Aggregation Database (gnomAD). The available evidence is insufficient to determine the role of this variant in disease conclusively. Therefore, this variant is classified as a Variant of Uncertain Significance.